The following is an entry in ClinVar:

NM_000458.4(HNF1B):c.1634A>G (p.Asn545Ser)

Gene: HNF1B (HNF1 homeobox B; minus strand). Cytogenetic location: 17q12.
Variant type: single nucleotide variant.
Coding change: c.1634A>G on transcript NM_000458.4 (MANE Select); coding-DNA position 1634, A replaced by G.
Protein change: p.Asn545Ser; replaces asparagine 545 with serine.
Molecular consequence: missense variant. On other transcripts: intron variant (1).
Genome position (GRCh38, 1-based): chr17:37,699,095, T>C on the plus strand (A>G on the coding strand, the complement: HNF1B is on the minus strand). VCF-style: chr17-37699095-T-C. GRCh37 (hg19) VCF-style: chr17-36059101-T-C.
Other names: c.1556A>G, p.Asn519Ser (NM_001165923.4); c.1261+5822A>G (NM_001304286.2); short protein forms N519S, N545S.
Identifiers: ClinVar variation 1397078 (VCV001397078.9), dbSNP rs2147441556, ClinGen allele CA398753432.

ClinVar aggregate classification (germline): Uncertain significance. Review status: criteria provided, multiple submitters, no conflicts (2 of 4 stars). 2 submissions from 2 submitters: Uncertain significance (2). Last evaluated 2024-11-14.

Allele frequency attached by ClinVar (database versions not stated): gnomAD exomes below 0.00001.
gnomAD v4.1: 1 of 1,613,328 alleles (0.000062%); highest among the groups gnomAD compares: Non-Finnish European, 0.000085%; no homozygotes.

Submissions (2):

Revvity Omics, Revvity
Classification: Uncertain significance. Last evaluated: 2024-11-14. Review status: criteria provided, single submitter. Criteria: ACMG Guidelines, 2015. Collection method: clinical testing. Allele origin: germline.

Labcorp Genetics (formerly Invitae), Labcorp
Classification: Uncertain significance. Last evaluated: 2021-06-24. Review status: criteria provided, single submitter. Criteria: Invitae Variant Classification Sherloc (09022015). Collection method: clinical testing. Allele origin: germline.
Comment: This sequence change replaces asparagine with serine at codon 545 of the HNF1B protein (p.Asn545Ser). The asparagine residue is moderately conserved and there is a small physicochemical difference between asparagine and serine. In summary, the available evidence is currently insufficient to determine the role of this variant in disease. Therefore, it has been classified as a Variant of Uncertain Significance. Algorithms developed to predict the effect of missense changes on protein structure and function output the following: SIFT: "Tolerated"; PolyPhen-2: "Benign"; Align-GVGD: "Class C0". The serine amino acid residue is found in multiple mammalian species, suggesting that this missense change does not adversely affect protein function. These predictions have not been confirmed by published functional studies and their clinical significance is uncertain. This variant has not been reported in the literature in individuals with HNF1B-related conditions. This variant is not present in population databases (ExAC no frequency).